The following is an entry in ClinVar:

NM_001042492.3(NF1):c.6050C>T (p.Thr2017Ile)

Gene: NF1 (neurofibromin 1; plus strand). Cytogenetic location: 17q11.2.
Variant type: single nucleotide variant.
Coding change: c.6050C>T on transcript NM_001042492.3 (MANE Select); coding-DNA position 6050, C replaced by T.
Protein change: p.Thr2017Ile; replaces threonine 2017 with isoleucine.
Molecular consequence: missense variant.
Genome position (GRCh38, 1-based): chr17:31,336,376, C>T. VCF-style: chr17-31336376-C-T. GRCh37 (hg19) VCF-style: chr17-29663394-C-T.
Other names: c.5987C>T, p.Thr1996Ile (NM_000267.4); short protein forms T2017I, T1996I.
Identifiers: ClinVar variation 2711260 (VCV002711260.3), dbSNP rs2151553282, ClinGen allele CA399011107.

ClinVar aggregate classification (germline): Uncertain significance (1 of 4 stars; one submission).

Conditions:
Neurofibromatosis, type 1 (NF1). Also called: Peripheral type neurofibromatosis; VON RECKLINGHAUSEN DISEASE; NEUROFIBROMATOSIS, TYPE I, SOMATIC; Neurofibromatosis, type I. Identifiers: Orphanet 636, MedGen C0027831, MONDO:0018975, OMIM 162200. Disease mechanism: loss of function.

Allele frequency attached by ClinVar (database versions not stated): gnomAD exomes below 0.00001.
gnomAD v4.1: 1 of 1,613,994 alleles (0.000062%); highest among the groups gnomAD compares: Non-Finnish European, 0.000085%; no homozygotes.

Submission:

Labcorp Genetics (formerly Invitae), Labcorp
Classification: Uncertain significance for Neurofibromatosis, type 1. Last evaluated: 2023-06-11. Review status: criteria provided, single submitter. Criteria: Invitae Variant Classification Sherloc (09022015). Collection method: clinical testing. Allele origin: germline.
Comment: In summary, the available evidence is currently insufficient to determine the role of this variant in disease. Therefore, it has been classified as a Variant of Uncertain Significance. Advanced modeling of protein sequence and biophysical properties (such as structural, functional, and spatial information, amino acid conservation, physicochemical variation, residue mobility, and thermodynamic stability) has been performed at Invitae for this missense variant, however the output from this modeling did not meet the statistical confidence thresholds required to predict the impact of this variant on NF1 protein function. This variant has not been reported in the literature in individuals affected with NF1-related conditions. This variant is not present in population databases (gnomAD no frequency). This sequence change replaces threonine, which is neutral and polar, with isoleucine, which is neutral and non-polar, at codon 1996 of the NF1 protein (p.Thr1996Ile).